The following is an entry in ClinVar:

NM_005548.3(KARS1):c.1784C>G (p.Thr595Ser)

Gene: KARS1 (lysyl-tRNA synthetase 1; minus strand). Cytogenetic location: 16q23.1.
Variant type: single nucleotide variant.
Coding change: c.1784C>G on transcript NM_005548.3 (MANE Select); coding-DNA position 1784, C replaced by G.
Protein change: p.Thr595Ser; replaces threonine 595 with serine.
Molecular consequence: missense variant.
Genome position (GRCh38, 1-based): chr16:75,627,905, G>C on the plus strand (C>G on the coding strand, the complement: KARS1 is on the minus strand). VCF-style: chr16-75627905-G-C. GRCh37 (hg19) VCF-style: chr16-75661803-G-C.
Other names: p.Thr595Ser; c.1868C>G, p.Thr623Ser (NM_001130089.2); c.1316C>G, p.Thr439Ser (NM_001378148.1); c.1784C>G (NM_005548.2); short protein forms T623S, T595S, T439S.
Identifiers: ClinVar variation 226682 (VCV000226682.16), dbSNP rs6834, ClinGen allele CA8177117.
Genomic context (GRCh38, chr16:75,627,905, plus strand): 5'-TCGCAGAAATGCAAAGACGCCTGAGTTATACAACTTGCAATTATTATTTTCTAGACAGAA[G>C]TGCCAACTGTTGTGCTTTCCAGTGTATCAGTGGTTGCTACATTCTCCTTCTTGTCTTCGG-3'
Protein context (NP_005539.1, residues 585-597): TDTLESTTVG[Thr595Ser]SV

ClinVar aggregate classification (germline): Benign. Review status: criteria provided, multiple submitters, no conflicts (2 of 4 stars). 6 submissions from 6 submitters: Benign (6). Last evaluated 2026-02-03.

Conditions:
Autosomal recessive nonsyndromic hearing loss 89. Also called: Deafness, autosomal recessive 89. Identifiers: Orphanet 90636, MedGen C3151351, MONDO:0013489, OMIM 613916.

Allele frequency attached by ClinVar (database versions not stated): gnomAD 0.12646 and 0.12068; 1000 Genomes Project 30x 0.12898; 1000 Genomes Project 0.12480; ESP Exome Variant Server 0.13650; ExAC 0.06572; gnomAD exomes 0.04627 and 0.05838; TOPMed 0.12683.
gnomAD v4.1: 84,997 of 1,578,048 alleles (5.4%); highest among the groups gnomAD compares: African/African-American, 33%; 5,488 homozygotes.

Submissions (6):

Labcorp Genetics (formerly Invitae), Labcorp
Classification: Benign. Last evaluated: 2026-02-03. Review status: criteria provided, single submitter. Criteria: Invitae Variant Classification Sherloc (09022015). Collection method: clinical testing. Allele origin: germline.

Mayo Clinic Laboratories, Mayo Clinic
Classification: Benign. Last evaluated: 2020-10-02. Review status: criteria provided, single submitter. Criteria: ACMG Guidelines, 2015. Collection method: clinical testing. Allele origin: germline. Observed: 255 variant alleles.

Mendelics
Classification: Benign for Autosomal recessive nonsyndromic hearing loss 89. Last evaluated: 2019-05-28. Review status: criteria provided, single submitter. Criteria: Mendelics Assertion Criteria 2017. Collection method: clinical testing. Allele origin: unknown.

GeneDx
Classification: Benign. Last evaluated: 2017-05-09. Review status: criteria provided, single submitter. Criteria: GeneDx Variant Classification (06012015). Collection method: clinical testing. Allele origin: germline. Affected: yes.
Comment: This variant is considered likely benign or benign based on one or more of the following criteria: it is a conservative change, it occurs at a poorly conserved position in the protein, it is predicted to be benign by multiple in silico algorithms, and/or has population frequency not consistent with disease.

Laboratory for Molecular Medicine, Mass General Brigham Personalized Medicine
Classification: Benign. Last evaluated: 2014-11-24. Review status: criteria provided, single submitter. Criteria: LMM Criteria. Collection method: clinical testing. Allele origin: germline. Observed: 122 variant alleles.
Comment: Thr623Ser in exon 15 of KARS: This variant is not expected to have clinical sign ificance because it has been identified in 32.4% (1426/4396) of African American chromosomes from a broad population by the NHLBI Exome Sequencing Project (dbSNP rs6834).

Breakthrough Genomics
Classification: Benign. Review status: criteria provided, single submitter. Criteria: ACMG Guidelines, 2015. Collection method: not provided. Allele origin: germline. Inheritance: Autosomal recessive inheritance. Affected: yes.